The following is an entry in ClinVar:

NM_138413.4(HOGA1):c.2T>G (p.Met1Arg)

Gene: HOGA1 (4-hydroxy-2-oxoglutarate aldolase 1; plus strand). Cytogenetic location: 10q24.2.
Variant type: single nucleotide variant.
Coding change: c.2T>G on transcript NM_138413.4 (MANE Select); coding-DNA position 2, T replaced by G.
Protein change: p.Met1Arg; changes the start codon (methionine 1).
Molecular consequence: missense variant, initiator codon variant.
Genome position (GRCh38, 1-based): chr10:97,584,705, T>G. VCF-style: chr10-97584705-T-G. GRCh37 (hg19) VCF-style: chr10-99344462-T-G.
Other names: c.2T>G, p.Met1Arg (NM_001134670.2); c.2T>G (NM_138413.3); short protein forms M1R.
Identifiers: ClinVar variation 1369845 (VCV001369845.9), dbSNP rs529940373, ClinGen allele CA5633804.
Genomic context (GRCh38, chr10:97,584,705, plus strand): 5'-GTTCAAACTAAGTCTCACTCTGGGACATAGACCAATTGTGCTTCAGGCCTCCTGCAGAGA[T>G]GCTGGGTCCCCAAGTCTGGTCTTCTGTGAGGCAGGGGCTAAGCAGGAGCTTGTCCAGGAA-3'
Protein context (NP_612422.2, residues 1-11): [Met1Arg]LGPQVWSSVR

ClinVar aggregate classification (germline): Pathogenic/Likely pathogenic. Review status: criteria provided, multiple submitters, no conflicts (2 of 4 stars). 2 submissions from 2 submitters: Pathogenic (1); Likely pathogenic (1). Last evaluated 2025-12-06.

Conditions:
Primary hyperoxaluria type 3. Also called: PH III. Identifiers: Orphanet 416, Orphanet 93600, MedGen C3150878, MONDO:0013327, OMIM 613616. Disease mechanism: loss of function.

Allele frequency attached by ClinVar (database versions not stated): gnomAD exomes below 0.00001; ExAC 0.00001; gnomAD 0.00001; 1000 Genomes Project 0.00020; 1000 Genomes Project 30x 0.00031.

Submissions (2):

Labcorp Genetics (formerly Invitae), Labcorp
Classification: Pathogenic. Last evaluated: 2025-12-06. Review status: criteria provided, single submitter. Criteria: Invitae Variant Classification Sherloc (09022015). Collection method: clinical testing. Allele origin: germline.
Comment: This sequence change affects the initiator codon of the HOGA1 mRNA. This change may impact translation initiation or efficiency. The next in-frame methionine is located at codon 100. This variant is not present in population databases (gnomAD no frequency). Disruption of the initiator codon has been observed in individual(s) with primary hyperoxaluria type 3 (PMID: 25972204). In at least one individual the data is consistent with being in trans (on the opposite chromosome) from a pathogenic variant. ClinVar contains an entry for this variant (Variation ID: 1369845). This variant disrupts the p.Ala36 amino acid residue in HOGA1. Other variant(s) that disrupt this residue have been determined to be pathogenic (PMID: 22391140, 24563386; internal data). This suggests that this residue is clinically significant, and that variants that disrupt this residue are likely to be disease-causing. For these reasons, this variant has been classified as Pathogenic.

Natera, Inc.
Classification: Likely pathogenic for Primary hyperoxaluria type III. Last evaluated: 2024-05-13. Review status: criteria provided, single submitter. Criteria: Natera Variant Classification Schema (03/2026). Collection method: clinical testing. Allele origin: germline.
Comment: The c.2T>G variant in HOGA1 is predicted to result in start loss due to disruption of the initiator methionine. This variant is expected to result in nonsense mediated decay, truncation, or a dysfunctional protein product. This variant is rare in the general population with a frequency below the threshold expected for the associated phenotype(s). Given the available evidence, this variant is classified as Likely Pathogenic.

Literature cited by the submitters: PubMed 25972204 (cited by Labcorp Genetics (formerly Invitae), Labcorp); PubMed 22391140 (cited by Labcorp Genetics (formerly Invitae), Labcorp); PubMed 24563386 (cited by Labcorp Genetics (formerly Invitae), Labcorp).